The following is an entry in ClinVar:

NM_002890.3(RASA1):c.1022G>A (p.Arg341Gln)

Genes: CCNH (cyclin H; minus strand), RASA1 (RAS p21 protein activator 1; plus strand). Cytogenetic location: 5q14.3.
Variant type: single nucleotide variant.
Coding change: c.1022G>A on transcript NM_002890.3 (MANE Select); coding-DNA position 1022, G replaced by A.
Protein change: p.Arg341Gln; replaces arginine 341 with glutamine.
Molecular consequence: missense variant. On other transcripts: intron variant (1).
Genome position (GRCh38, 1-based): chr5:87,341,294, G>A. VCF-style: chr5-87341294-G-A. GRCh37 (hg19) VCF-style: chr5-86637111-G-A.
Other names: c.491G>A, p.Arg164Gln (NM_022650.3); c.934-28499C>T (NM_001364075.2); short protein forms R164Q, R341Q.
Identifiers: ClinVar variation 1024496 (VCV001024496.11), dbSNP rs759265277, ClinGen allele CA3335624.

ClinVar aggregate classification (germline): Conflicting classifications of pathogenicity. Review status: criteria provided, conflicting classifications (1 of 4 stars). 2 submissions from 2 submitters: Uncertain significance (1); Likely benign (1). Last evaluated 2025-08-06.

Conditions:
Capillary malformation-arteriovenous malformation syndrome. Also called: Capillary malformation-arteriovenous malformation. Identifiers: Orphanet 137667, MedGen C1842180, MONDO:0012016.
Cardiovascular phenotype. Identifiers: MedGen CN230736.

Allele frequency attached by ClinVar (database versions not stated): gnomAD 0.00001; gnomAD exomes 0.00001; ExAC 0.00012; 1000 Genomes Project 30x 0.00016; TOPMed 0.00005.
gnomAD v4.1: 13 of 1,342,820 alleles (0.00097%); highest among the groups gnomAD compares: South Asian, 0.0066%; no homozygotes.

Submissions (2):

Labcorp Genetics (formerly Invitae), Labcorp
Classification: Uncertain significance for Capillary malformation-arteriovenous malformation syndrome. Last evaluated: 2025-08-06. Review status: criteria provided, single submitter. Criteria: Invitae Variant Classification Sherloc (09022015). Collection method: clinical testing. Allele origin: germline.
Comment: This sequence change replaces arginine, which is basic and polar, with glutamine, which is neutral and polar, at codon 341 of the RASA1 protein (p.Arg341Gln). The frequency data for this variant in the population databases is considered unreliable, as metrics indicate poor data quality at this position in the gnomAD database. This variant has not been reported in the literature in individuals affected with RASA1-related conditions. ClinVar contains an entry for this variant (Variation ID: 1024496). An algorithm developed to predict the effect of missense changes on protein structure and function (PolyPhen-2) suggests that this variant is likely to be disruptive. In summary, the available evidence is currently insufficient to determine the role of this variant in disease. Therefore, it has been classified as a Variant of Uncertain Significance.

Ambry Genetics
Classification: Likely benign for Cardiovascular phenotype. Last evaluated: 2022-04-03. Review status: criteria provided, single submitter. Criteria: Ambry Variant Classification Scheme 2023. Collection method: clinical testing. Allele origin: germline.